The following is an entry in ClinVar:

NM_001267550.2(TTN):c.11311+1900G>T

Gene: TTN (titin; minus strand). Cytogenetic location: 2q31.2.
Variant type: single nucleotide variant.
Coding change: c.11311+1900G>T on transcript NM_001267550.2 (MANE Select); 1900 bases into the intron after coding-DNA position 11311, G replaced by T.
Molecular consequence: intron variant. On other transcripts: nonsense (1).
Genome position (GRCh38, 1-based): chr2:178,751,224, C>A on the plus strand (G>T on the coding strand, the complement: TTN is on the minus strand). VCF-style: chr2-178751224-C-A. GRCh37 (hg19) VCF-style: chr2-179615951-C-A.
Other names: c.11176G>T, p.Glu3726Ter (NM_133379.5); c.10222+1900G>T (NM_003319.4); c.10798+1900G>T (NM_133437.4); c.10597+1900G>T (NM_133432.3); c.10360+1900G>T (NM_133378.4, NM_001256850.1); short protein forms E3726*.
Identifiers: ClinVar variation 1806578 (VCV001806578.1), dbSNP rs866025388, ClinGen allele CA349665171.
Genomic context (GRCh38, chr2:178,751,224, plus strand): 5'-CTCTAGAGAACAGAATATCTTTATCACTAGCTTCACTTCTCAAAGTTCTTGAGCTTATTT[C>A]AGAAGACGTATCTAAAAGAGATAATTTCTTTTTCTCCATTAATGTTTTTCTAGCCTCCCT-3'

ClinVar aggregate classification (germline): Uncertain significance (1 of 4 stars; one submission).

Submission:

GeneDx
Classification: Uncertain significance. Last evaluated: 2022-06-21. Review status: criteria provided, single submitter. Criteria: GeneDx Variant Classification Process June 2021. Collection method: clinical testing. Allele origin: germline. Affected: yes.
Comment: Not observed at significant frequency in large population cohorts (gnomAD); Nonsense variant predicted to result in protein truncation as the last 1879 amino acids are lost, although loss-of-function variants have not been reported downstream of this position in the protein; Has not been previously published as pathogenic or benign to our knowledge